The following is an entry in ClinVar:

NM_004239.4(TRIP11):c.1987dup (p.Gln663fs)

Gene: TRIP11 (thyroid hormone receptor interactor 11; minus strand). Cytogenetic location: 14q32.12.
Variant type: Duplication.
Coding change: c.1987dup on transcript NM_004239.4 (MANE Select); coding-DNA position 1987, one base duplicated (C; older notation c.1987dupC).
Protein change: p.Gln663fs; shifts the reading frame from glutamine 663.
Molecular consequence: frameshift variant.
Genome position (GRCh38, 1-based): chr14:92,005,989, G duplicated on the plus strand (C on the coding strand, the reverse complement: TRIP11 is on the minus strand). VCF-style (leftmost placement, unchanged base first): chr14-92005988-T-TG. GRCh37 (hg19) VCF-style: chr14-92472332-T-TG.
Other names: c.1984dup, p.Gln662fs (NM_001321851.1); short protein forms Q662fs, Q663fs.
Identifiers: ClinVar variation 1451176 (VCV001451176.1), dbSNP rs2140119519, ClinGen allele CA2573150252.

ClinVar aggregate classification (germline): Pathogenic (1 of 4 stars; one submission).

Conditions:
Achondrogenesis, type IA (ACG1A). Identifiers: Orphanet 932, Orphanet 93299, MedGen C0265273, MONDO:0008701, OMIM 200600.

Allele frequency attached by ClinVar (database versions not stated): gnomAD exomes below 0.00001.

Submission:

Labcorp Genetics (formerly Invitae), Labcorp
Classification: Pathogenic for Achondrogenesis, type IA. Last evaluated: 2021-01-19. Review status: criteria provided, single submitter. Criteria: Invitae Variant Classification Sherloc (09022015). Collection method: clinical testing. Allele origin: germline.
Comment: This sequence change creates a premature translational stop signal (p.Gln663Profs*4) in the TRIP11 gene. It is expected to result in an absent or disrupted protein product. Loss-of-function variants in TRIP11 are known to be pathogenic (PMID: 20089971, 23956106). This variant is not present in population databases (ExAC no frequency). This variant has not been reported in the literature in individuals with TRIP11-related conditions. For these reasons, this variant has been classified as Pathogenic.

Literature cited by the submitters: PubMed 20089971; PubMed 23956106.